The following is an entry in ClinVar:

ClinVar aggregate classification (germline): Likely benign (1 of 4 stars; one submission).

Submission:

CeGaT Center for Human Genetics Tuebingen
Classification: Likely benign. Last evaluated: 2025-07-01. Review status: criteria provided, single submitter. Criteria: CeGaT Center For Human Genetics Tuebingen Variant Classification Criteria Version 2. Collection method: clinical testing. Allele origin: germline. Affected: yes. Observed: 2 variant alleles.
Comment: MAGEC1: BP4, BS2

NM_005462.5(MAGEC1):c.710T>G (p.Val237Gly)

Gene: MAGEC1 (MAGE family member C1; plus strand). Cytogenetic location: Xq27.2.
Variant type: single nucleotide variant.
Coding change: c.710T>G on transcript NM_005462.5 (MANE Select); coding-DNA position 710, T replaced by G.
Protein change: p.Val237Gly; replaces valine 237 with glycine.
Molecular consequence: missense variant.
Genome position (GRCh38, 1-based): chrX:141,906,114, T>G. VCF-style: chrX-141906114-T-G. GRCh37 (hg19) VCF-style: chrX-140993900-T-G.
Other names: short protein forms V237G.
Identifiers: ClinVar variation 3770658 (VCV003770658.13).